The following is an entry in ClinVar:

NM_000093.5(COL5A1):c.3864C>T (p.Gly1288=)

Gene: COL5A1 (collagen type V alpha 1 chain; plus strand). Cytogenetic location: 9q34.3.
Variant type: single nucleotide variant.
Coding change: c.3864C>T on transcript NM_000093.5 (MANE Select); coding-DNA position 3864, C replaced by T.
Protein change: p.Gly1288=; no amino-acid change (glycine 1288 retained).
Molecular consequence: synonymous variant.
Genome position (GRCh38, 1-based): chr9:134,813,994, C>T. VCF-style: chr9-134813994-C-T. GRCh37 (hg19) VCF-style: chr9-137705840-C-T.
Other names: c.3864C>T, p.Gly1288= (NM_001278074.1).
Identifiers: ClinVar variation 567302 (VCV000567302.33), dbSNP rs551695730, ClinGen allele CA5320063.

ClinVar aggregate classification (germline): Conflicting classifications of pathogenicity. Review status: criteria provided, conflicting classifications (1 of 4 stars). 6 submissions from 6 submitters: Uncertain significance (1); Benign (2); Likely benign (2). 1 of the submissions does not count toward it. Last evaluated 2026-04-20.

Conditions:
COL5A1-related disorder. Also called: COL5A1-related condition.
Ehlers-Danlos syndrome, classic type, 1 (EDSCL1). Also called: Ehlers-Danlos syndrome, type 1; EHLERS-DANLOS SYNDROME, GRAVIS TYPE; EHLERS-DANLOS SYNDROME, SEVERE CLASSIC TYPE; Ehlers-Danlos Syndrome, Classic Type, COL5A1-Related; EDS I. Identifiers: MedGen C0268335, MONDO:0019567, OMIM 130000.
Familial thoracic aortic aneurysm and aortic dissection (TAAD). Also called: Thoracic aortic aneurysms and dissections. Identifiers: Orphanet 91387, MedGen C4707243, MONDO:0019625.
Ehlers-Danlos syndrome (EDS). Identifiers: Orphanet 98249, MedGen C0013720, MONDO:0020066.

Allele frequency attached by ClinVar (database versions not stated): gnomAD 0.00003 and 0.00007; TOPMed 0.00003; gnomAD exomes 0.00005 and 0.00006; ExAC 0.00011; 1000 Genomes Project 0.00020; 1000 Genomes Project 30x 0.00031.
gnomAD v4.1: 82 of 1,550,996 alleles (0.0053%); highest among the groups gnomAD compares: South Asian, 0.025%; no homozygotes.

Submissions (6):

Women's Health and Genetics/Laboratory Corporation of America, LabCorp
Classification: Benign. Last evaluated: 2026-04-20. Review status: criteria provided, single submitter. Criteria: LabCorp Variant Classification Summary - May 2015. Collection method: clinical testing. Allele origin: germline.

Labcorp Genetics (formerly Invitae), Labcorp
Classification: Benign for Ehlers-Danlos syndrome, classic type, 1. Last evaluated: 2025-11-10. Review status: criteria provided, single submitter. Criteria: Invitae Variant Classification Sherloc (09022015). Collection method: clinical testing. Allele origin: germline.

CeGaT Center for Human Genetics Tuebingen
Classification: Likely benign. Last evaluated: 2025-02-01. Review status: criteria provided, single submitter. Criteria: CeGaT Center For Human Genetics Tuebingen Variant Classification Criteria Version 2. Collection method: clinical testing. Allele origin: germline. Affected: yes. Observed: 1 variant allele.
Comment: COL5A1: BP4, BP7

Ambry Genetics
Classification: Likely benign for Familial thoracic aortic aneurysm and aortic dissection. Last evaluated: 2022-06-14. Review status: criteria provided, single submitter. Criteria: Ambry Variant Classification Scheme 2023. Collection method: clinical testing. Allele origin: germline.

Genome Diagnostics Laboratory, The Hospital for Sick Children
Classification: Uncertain significance for Ehlers-Danlos syndrome. Last evaluated: 2020-02-01. Review status: criteria provided, single submitter. Criteria: ACMG Guidelines, 2015. Collection method: clinical testing. Allele origin: germline.

PreventionGenetics, part of Exact Sciences
Classification: Likely benign for COL5A1-related condition. Last evaluated: 2020-02-19. Review status: no assertion criteria provided. Collection method: clinical testing. Allele origin: germline. Not counted in ClinVar's aggregate classification.
Comment: This variant is classified as likely benign based on ACMG/AMP sequence variant interpretation guidelines (Richards et al. 2015 PMID: 25741868, with internal and published modifications).